The following is an entry in ClinVar:

NM_012434.5(SLC17A5):c.701-280A>C

Gene: SLC17A5 (solute carrier family 17 member 5; minus strand). Cytogenetic location: 6q13.
Variant type: single nucleotide variant.
Coding change: c.701-280A>C on transcript NM_012434.5 (MANE Select); 280 bases into the intron before coding-DNA position 701, A replaced by C.
Molecular consequence: intron variant.
Genome position (GRCh38, 1-based): chr6:73,635,780, T>G on the plus strand (A>C on the coding strand, the complement: SLC17A5 is on the minus strand). VCF-style: chr6-73635780-T-G. GRCh37 (hg19) VCF-style: chr6-74345503-T-G.
Identifiers: ClinVar variation 672062 (VCV000672062.1), dbSNP rs525044, ClinGen allele CA12445028.

ClinVar aggregate classification (germline): Benign (1 of 4 stars; one submission).

Allele frequency attached by ClinVar (database versions not stated): gnomAD 0.16285 and 0.16647; TOPMed 0.18056; 1000 Genomes Project 0.19848; 1000 Genomes Project 30x 0.20753.
gnomAD v4.1: 24,507 of 150,950 alleles (16%); highest among the groups gnomAD compares: African/African-American, 34%; 3,047 homozygotes.

Submission:

GeneDx
Classification: Benign. Last evaluated: 2018-06-19. Review status: criteria provided, single submitter. Criteria: GeneDx Variant Classification (06012015). Collection method: clinical testing. Allele origin: germline. Affected: yes.
Comment: This variant is considered likely benign or benign based on one or more of the following criteria: it is a conservative change, it occurs at a poorly conserved position in the protein, it is predicted to be benign by multiple in silico algorithms, and/or has population frequency not consistent with disease.